The following is an entry in ClinVar:

ClinVar aggregate classification (germline): Uncertain significance (1 of 4 stars; one submission).

Conditions:
Intellectual disability. Also called: intellectual disabilities; Intellectual developmental disorder; Intellectual functioning disability. Identifiers: MedGen C3714756, MeSH D008607, MONDO:0001071, HP:0001249.

Submission:

Labcorp Genetics (formerly Invitae), Labcorp
Classification: Uncertain significance for Intellectual disability. Last evaluated: 2023-10-13. Review status: criteria provided, single submitter. Criteria: Invitae Variant Classification Sherloc (09022015). Collection method: clinical testing. Allele origin: germline.
Comment: This variant results in a copy number gain of the genomic region encompassing exon(s) 11 of the GABRB2 gene. This region includes the termination codon of the gene. This copy number gain extends beyond the assayed region for this gene and therefore may encompass additional genes. As the precise location of this event is unknown, it may be in tandem or it may be located elsewhere in the genome. This variant has not been reported in the literature in individuals affected with GABRB2-related conditions. Experimental studies and prediction algorithms are not available or were not evaluated, and the functional significance of this variant is currently unknown. In summary, the available evidence is currently insufficient to determine the role of this variant in disease. Therefore, it has been classified as a Variant of Uncertain Significance.

NC_000005.9:g.(?_160721068)_(160721455_?)dup

Gene: GABRB2 (gamma-aminobutyric acid type A receptor subunit beta2; minus strand). Cytogenetic location: 5q34.
Variant type: Duplication.
Identifiers: ClinVar variation 639874 (VCV000639874.9).